The following is an entry in ClinVar:

ClinVar aggregate classification (germline): Uncertain significance (1 of 4 stars; one submission).

Submission:

Labcorp Genetics (formerly Invitae), Labcorp
Classification: Uncertain significance. Last evaluated: 2022-04-16. Review status: criteria provided, single submitter. Criteria: Invitae Variant Classification Sherloc (09022015). Collection method: clinical testing. Allele origin: germline.
Comment: This sequence change replaces glycine, which is neutral and non-polar, with alanine, which is neutral and non-polar, at codon 708 of the TNNI3K protein (p.Gly708Ala). This variant is not present in population databases (gnomAD no frequency). In summary, the available evidence is currently insufficient to determine the role of this variant in disease. Therefore, it has been classified as a Variant of Uncertain Significance. Algorithms developed to predict the effect of missense changes on protein structure and function (SIFT, PolyPhen-2, Align-GVGD) all suggest that this variant is likely to be tolerated. This variant has not been reported in the literature in individuals affected with TNNI3K-related conditions.

NM_015978.3(TNNI3K):c.2123G>C (p.Gly708Ala)

Genes: FPGT-TNNI3K (FPGT-TNNI3K readthrough; plus strand), LRRC53 (leucine rich repeat containing 53; minus strand), TNNI3K (TNNI3 interacting kinase; plus strand). Cytogenetic location: 1p31.1.
Variant type: single nucleotide variant.
Coding change: c.2123G>C on transcript NM_015978.3 (MANE Select); coding-DNA position 2123, G replaced by C.
Protein change: p.Gly708Ala; replaces glycine 708 with alanine.
Molecular consequence: missense variant. On other transcripts: intron variant (2).
Genome position (GRCh38, 1-based): chr1:74,489,190, G>C. VCF-style: chr1-74489190-G-C. GRCh37 (hg19) VCF-style: chr1-74954874-G-C.
Other names: c.2426G>C, p.Gly809Ala (NM_001112808.3); c.-8-8222C>G (NM_001364666.2); c.-26-5815C>G (NM_001382280.1); short protein forms G708A, G809A.
Identifiers: ClinVar variation 2099278 (VCV002099278.4), dbSNP rs1668915951, ClinGen allele CA340798475.